The following is an entry in ClinVar:

ClinVar aggregate classification (germline): Uncertain significance (1 of 4 stars; one submission).

Allele frequency attached by ClinVar (database versions not stated): gnomAD exomes below 0.00001; TOPMed below 0.00001.
gnomAD v4.1: 1 of 1,614,168 alleles (0.000062%); highest among the groups gnomAD compares: African/African-American, 0.0013%; no homozygotes.

Submission:

Ambry Genetics
Classification: Uncertain significance. Last evaluated: 2022-12-19. Review status: criteria provided, single submitter. Criteria: Ambry Variant Classification Scheme 2023. Collection method: clinical testing. Allele origin: germline.
Comment: The p.S800T variant (also known as c.2398T>A), located in coding exon 15 of the POLQ gene, results from a T to A substitution at nucleotide position 2398. The serine at codon 800 is replaced by threonine, an amino acid with similar properties. This amino acid position is conserved. In addition, this alteration is predicted to be tolerated by in silico analysis. Since supporting evidence is limited at this time, the clinical significance of this alteration remains unclear.

NM_199420.4(POLQ):c.2398T>A (p.Ser800Thr)

Gene: POLQ (DNA polymerase theta; minus strand). Cytogenetic location: 3q13.33.
Variant type: single nucleotide variant.
Coding change: c.2398T>A on transcript NM_199420.4 (MANE Select); coding-DNA position 2398, T replaced by A.
Protein change: p.Ser800Thr; replaces serine 800 with threonine.
Molecular consequence: missense variant.
Genome position (GRCh38, 1-based): chr3:121,493,602, A>T on the plus strand (T>A on the coding strand, the complement: POLQ is on the minus strand). VCF-style: chr3-121493602-A-T. GRCh37 (hg19) VCF-style: chr3-121212449-A-T.
Other names: short protein forms S800T.
Identifiers: ClinVar variation 2497220 (VCV002497220.2), dbSNP rs1037625458, ClinGen allele CA81838995.